The following is an entry in ClinVar:

NM_000260.4(MYO7A):c.2595G>A (p.Trp865Ter)

Gene: MYO7A (myosin VIIA; plus strand). Cytogenetic location: 11q13.5.
Variant type: single nucleotide variant.
Coding change: c.2595G>A on transcript NM_000260.4 (MANE Select); coding-DNA position 2595, G replaced by A.
Protein change: p.Trp865Ter; replaces tryptophan 865 with a stop codon.
Molecular consequence: nonsense.
Genome position (GRCh38, 1-based): chr11:77,180,382, G>A. VCF-style: chr11-77180382-G-A. GRCh37 (hg19) VCF-style: chr11-76891428-G-A.
Other names: c.2595G>A, p.Trp865Ter (NM_001127180.2); c.2562G>A, p.Trp854Ter (NM_001369365.1); short protein forms W854*, W865*.
Identifiers: ClinVar variation 4818018 (VCV004818018.1).

ClinVar aggregate classification (germline): Likely pathogenic (1 of 4 stars; one submission).

Conditions:
Usher syndrome type 1B (USH1B). Also called: Usher syndrome type IB. Identifiers: MedGen C1848638, MONDO:0700087.

Submission:

Natera, Inc.
Classification: Likely pathogenic for Usher syndrome type 1B. Last evaluated: 2024-02-27. Review status: criteria provided, single submitter. Criteria: Natera Variant Classification Schema (03/2026). Collection method: clinical testing. Allele origin: germline.
Comment: The c.2595G>A variant in MYO7A is a nonsense variant predicted to introduce a stop codon at amino acid 865. This variant is expected to result in nonsense mediated decay, truncation, or a dysfunctional protein product. This variant is rare in the general population with a frequency below the threshold expected for the associated phenotype(s). Given the available evidence, this variant is classified as Likely Pathogenic.